The following is an entry in ClinVar:

NM_020911.2(PLXNA4):c.2095G>A (p.Glu699Lys)

Gene: PLXNA4 (plexin A4; minus strand). Cytogenetic location: 7q32.3.
Variant type: single nucleotide variant.
Coding change: c.2095G>A on transcript NM_020911.2 (MANE Select); coding-DNA position 2095, G replaced by A.
Protein change: p.Glu699Lys; replaces glutamic acid 699 with lysine.
Molecular consequence: missense variant.
Genome position (GRCh38, 1-based): chr7:132,223,529, C>T on the plus strand (G>A on the coding strand, the complement: PLXNA4 is on the minus strand). VCF-style: chr7-132223529-C-T. GRCh37 (hg19) VCF-style: chr7-131908288-C-T.
Other names: c.2095G>A, p.Glu699Lys (NM_001393897.1); short protein forms E699K.
Identifiers: ClinVar variation 5000649 (VCV005000649.1).

ClinVar aggregate classification (germline): Uncertain significance (1 of 4 stars; one submission).

Conditions:
PLXNA4-related disorder. Also called: PLXNA4-related condition.

gnomAD v4.1: 46 of 1,611,878 alleles (0.0029%); highest among the groups gnomAD compares: East Asian, 0.056%; no homozygotes.

Submission:

PreventionGenetics, part of Exact Sciences
Classification: Uncertain significance for PLXNA4-related condition. Last evaluated: 2026-06-06. Review status: criteria provided, single submitter. Criteria: ACMG Guidelines, 2015. Collection method: clinical testing. Allele origin: germline.
Comment: The PLXNA4 c.2095G>A variant is predicted to result in the amino acid substitution p.Glu699Lys. To our knowledge, this variant has not been reported in the literature. This variant is reported in 0.083% of alleles in individuals of East Asian descent in gnomAD. Although we suspect that this variant may be benign, at this time, the clinical significance of this variant is uncertain due to the absence of conclusive functional and genetic evidence.